The following is an entry in ClinVar:

ClinVar aggregate classification (germline): Uncertain significance. Review status: criteria provided, multiple submitters, no conflicts (2 of 4 stars). 2 submissions from 2 submitters: Uncertain significance (2). Last evaluated 2024-10-30.

Allele frequency attached by ClinVar (database versions not stated): ExAC 0.00003; gnomAD exomes 0.00004; gnomAD 0.00006 and 0.00007; TOPMed 0.00006; ESP Exome Variant Server 0.00008; 1000 Genomes Project 30x 0.00016; 1000 Genomes Project 0.00020.
gnomAD v4.1: 68 of 1,614,228 alleles (0.0042%); highest among the groups gnomAD compares: African/African-American, 0.0093%; no homozygotes.

Submissions (2):

Labcorp Genetics (formerly Invitae), Labcorp
Classification: Uncertain significance. Last evaluated: 2024-10-30. Review status: criteria provided, single submitter. Criteria: Invitae Variant Classification Sherloc (09022015). Collection method: clinical testing. Allele origin: germline.
Comment: This sequence change replaces valine, which is neutral and non-polar, with isoleucine, which is neutral and non-polar, at codon 34 of the RHOBTB2 protein (p.Val34Ile). This variant is present in population databases (rs144645186, gnomAD 0.02%). This variant has not been reported in the literature in individuals affected with RHOBTB2-related conditions. ClinVar contains an entry for this variant (Variation ID: 1480036). Invitae Evidence Modeling of protein sequence and biophysical properties (such as structural, functional, and spatial information, amino acid conservation, physicochemical variation, residue mobility, and thermodynamic stability) indicates that this missense variant is not expected to disrupt RHOBTB2 protein function with a negative predictive value of 80%. In summary, the available evidence is currently insufficient to determine the role of this variant in disease. Therefore, it has been classified as a Variant of Uncertain Significance.

CeGaT Center for Human Genetics Tuebingen
Classification: Uncertain significance. Last evaluated: 2023-02-01. Review status: criteria provided, single submitter. Criteria: CeGaT Center For Human Genetics Tuebingen Variant Classification Criteria Version 2. Collection method: clinical testing. Allele origin: germline. Affected: yes. Observed: 1 variant allele.
Comment: RHOBTB2: PP2

NM_015178.3(RHOBTB2):c.34G>A (p.Val12Ile)

Gene: RHOBTB2 (Rho related BTB domain containing 2; plus strand). Cytogenetic location: 8p21.3.
Variant type: single nucleotide variant.
Coding change: c.34G>A on transcript NM_015178.3 (MANE Select); coding-DNA position 34, G replaced by A.
Protein change: p.Val12Ile; replaces valine 12 with isoleucine.
Molecular consequence: missense variant.
Genome position (GRCh38, 1-based): chr8:23,004,468, G>A. VCF-style: chr8-23004468-G-A. GRCh37 (hg19) VCF-style: chr8-22861981-G-A.
Other names: c.100G>A, p.Val34Ile (NM_001160036.2); c.55G>A, p.Val19Ile (NM_001160037.2); c.34G>A, p.Val12Ile (NM_001374791.1); short protein forms V19I, V12I, V34I.
Identifiers: ClinVar variation 1480036 (VCV001480036.32), dbSNP rs144645186, ClinGen allele CA4672365.
Genomic context (GRCh38, chr8:23,004,468, plus strand): 5'-TCCCTCCTCTCCCTCAGGTCCCGTTTAATGGATTCTGACATGGATTATGAAAGGCCAAAC[G>A]TAGAGACCATCAAGTGCGTTGTGGTGGGGGACAACGCCGTGGGTAAGACCAGGCTCATCT-3'
Protein context (NP_055993.2, residues 2-22): DSDMDYERPN[Val12Ile]ETIKCVVVGD